The following is an entry in ClinVar:

ClinVar aggregate classification (germline): Uncertain significance (1 of 4 stars; one submission).

Conditions:
Nemaline myopathy 6 (NEM6). Also called: Nemaline myopathy 6, autosomal dominant. Identifiers: Orphanet 171439, MedGen C1836472, MONDO:0012237, OMIM 609273.

Allele frequency attached by ClinVar (database versions not stated): ExAC 0.00001; gnomAD 0.00001; gnomAD exomes 0.00001; TOPMed 0.00001.

Submission:

Labcorp Genetics (formerly Invitae), Labcorp
Classification: Uncertain significance for Nemaline myopathy 6. Last evaluated: 2025-11-28. Review status: criteria provided, single submitter. Criteria: Invitae Variant Classification Sherloc (09022015). Collection method: clinical testing. Allele origin: germline.
Comment: This sequence change replaces arginine, which is basic and polar, with glutamine, which is neutral and polar, at codon 422 of the KBTBD13 protein (p.Arg422Gln). This variant is not present in population databases (gnomAD no frequency). This variant has not been reported in the literature in individuals affected with KBTBD13-related conditions. ClinVar contains an entry for this variant (Variation ID: 1406339). An algorithm developed to predict the effect of missense changes on protein structure and function (PolyPhen-2) suggests that this variant is likely to be tolerated. In summary, the available evidence is currently insufficient to determine the role of this variant in disease. Therefore, it has been classified as a Variant of Uncertain Significance.

NM_001101362.3(KBTBD13):c.1265G>A (p.Arg422Gln)

Gene: KBTBD13 (kelch repeat and BTB domain containing 13; plus strand). Cytogenetic location: 15q22.31.
Variant type: single nucleotide variant.
Coding change: c.1265G>A on transcript NM_001101362.3 (MANE Select); coding-DNA position 1265, G replaced by A.
Protein change: p.Arg422Gln; replaces arginine 422 with glutamine.
Molecular consequence: missense variant.
Genome position (GRCh38, 1-based): chr15:65,078,080, G>A. VCF-style: chr15-65078080-G-A. GRCh37 (hg19) VCF-style: chr15-65370418-G-A.
Other names: short protein forms R422Q.
Identifiers: ClinVar variation 1406339 (VCV001406339.8), dbSNP rs767053257, ClinGen allele CA7614114.